The following is an entry in ClinVar:

NM_001282531.3(ADNP):c.396C>T (p.Asn132=)

Gene: ADNP (activity dependent neuroprotector homeobox; minus strand). Cytogenetic location: 20q13.13.
Variant type: single nucleotide variant.
Coding change: c.396C>T on transcript NM_001282531.3 (MANE Select); coding-DNA position 396, C replaced by T.
Protein change: p.Asn132=; no amino-acid change (asparagine 132 retained).
Molecular consequence: synonymous variant.
Genome position (GRCh38, 1-based): chr20:50,894,318, G>A on the plus strand (C>T on the coding strand, the complement: ADNP is on the minus strand). VCF-style: chr20-50894318-G-A. GRCh37 (hg19) VCF-style: chr20-49510855-G-A.
Other names: c.396C>T, p.Asn132= (NM_001282532.2, NM_001347511.2, NM_015339.5 and 1 more transcripts); c.396C>T (NM_001282531.2).
Identifiers: ClinVar variation 1972674 (VCV001972674.6), dbSNP rs758141348, ClinGen allele CA9908892.

ClinVar aggregate classification (germline): Likely benign. Review status: criteria provided, multiple submitters, no conflicts (2 of 4 stars). 2 submissions from 2 submitters: Likely benign (2). Last evaluated 2025-06-20.

Conditions:
ADNP-related disorder. Also called: ADNP-related condition.

Allele frequency attached by ClinVar (database versions not stated): gnomAD 0.00001; ExAC 0.00005.

Submissions (2):

PreventionGenetics, part of Exact Sciences
Classification: Likely benign for ADNP-related condition. Last evaluated: 2025-06-20. Review status: criteria provided, single submitter. Criteria: ACMG Guidelines, 2015. Collection method: clinical testing. Allele origin: germline.
Comment: This variant is classified as likely benign based on ACMG/AMP sequence variant interpretation guidelines (Richards et al. 2015 PMID: 25741868, with internal and published modifications).

Labcorp Genetics (formerly Invitae), Labcorp
Classification: Likely benign. Last evaluated: 2024-11-06. Review status: criteria provided, single submitter. Criteria: Invitae Variant Classification Sherloc (09022015). Collection method: clinical testing. Allele origin: germline.